The following is an entry in ClinVar:

NM_000051.4(ATM):c.568A>C (p.Ile190Leu)

Gene: ATM (ATM serine/threonine kinase; plus strand). Cytogenetic location: 11q22.3.
Variant type: single nucleotide variant.
Coding change: c.568A>C on transcript NM_000051.4 (MANE Select); coding-DNA position 568, A replaced by C.
Protein change: p.Ile190Leu; replaces isoleucine 190 with leucine.
Molecular consequence: missense variant.
Genome position (GRCh38, 1-based): chr11:108,244,024, A>C. VCF-style: chr11-108244024-A-C. GRCh37 (hg19) VCF-style: chr11-108114751-A-C.
Other names: c.568A>C, p.Ile190Leu (NM_001351834.2); short protein forms I190L.
Identifiers: ClinVar variation 3451787 (VCV003451787.1).
Genomic context (GRCh38, chr11:108,244,024, plus strand): 5'-GTGTACTTCAGGCTCTATCTGAAACCTTCACAAGATGTTCATAGAGTTTTAGTGGCTAGA[A>C]TAATTCATGCTGTTACCAAAGGATGCTGTTCTCAGACTGACGGATTAAATTCCAAATTTT-3'
Protein context (NP_000042.3, residues 180-200): QDVHRVLVAR[Ile190Leu]IHAVTKGCCS

ClinVar aggregate classification (germline): Uncertain significance (1 of 4 stars; one submission).

Conditions:
Hereditary cancer-predisposing syndrome. Also called: Tumor predisposition; Neoplastic Syndromes, Hereditary; Hereditary neoplastic syndrome; Hereditary Cancer Syndrome. Identifiers: Orphanet 140162, MedGen C0027672, MeSH D009386, MONDO:0015356.

Submission:

Ambry Genetics
Classification: Uncertain significance for Hereditary cancer-predisposing syndrome. Last evaluated: 2024-10-11. Review status: criteria provided, single submitter. Criteria: Ambry Variant Classification Scheme 2023. Collection method: clinical testing. Allele origin: germline.
Comment: The p.I190L variant (also known as c.568A>C), located in coding exon 5 of the ATM gene, results from an A to C substitution at nucleotide position 568. The isoleucine at codon 190 is replaced by leucine, an amino acid with highly similar properties. This amino acid position is well conserved in available vertebrate species. In addition, this alteration is predicted to be tolerated by in silico analysis. Based on the available evidence, the clinical significance of this variant remains unclear.